The following is an entry in ClinVar:

ClinVar aggregate classification (germline): Benign/Likely benign. Review status: criteria provided, multiple submitters, no conflicts (2 of 4 stars). 13 submissions from 13 submitters: Benign (3); Likely benign (9). 1 of the submissions does not count toward it. Last evaluated 2026-05-01.

Conditions:
MYOT-related disorder. Also called: MYOT-related condition.
Myofibrillar myopathy 3 (MFM3). Also called: Muscular dystrophy, proximal, type 1A; Autosomal dominant spheroid body myopathy. Identifiers: Orphanet 266, Orphanet 268129, MedGen C3714934, MONDO:0012215, OMIM 609200.
Heart failure. Identifiers: MedGen C0018801, MONDO:0005252.

Allele frequency attached by ClinVar (database versions not stated): ExAC 0.00184; gnomAD 0.00152 and 0.00150; gnomAD exomes 0.00187; TOPMed 0.00171; 1000 Genomes Project 30x 0.00016; 1000 Genomes Project 0.00020; ESP Exome Variant Server 0.00185.
gnomAD v4.1: 2,964 of 1,614,074 alleles (0.18%); highest among the groups gnomAD compares: Middle Eastern, 0.48%; 9 homozygotes.

Submissions (13):

CeGaT Center for Human Genetics Tuebingen
Classification: Likely benign. Last evaluated: 2026-05-01. Review status: criteria provided, single submitter. Criteria: CeGaT Center For Human Genetics Tuebingen Variant Classification Criteria Version 2. Collection method: clinical testing. Allele origin: germline. Affected: yes. Observed: 7 variant alleles.
Comment: MYOT: BS2

Labcorp Genetics (formerly Invitae), Labcorp
Classification: Likely benign for Myofibrillar myopathy 3. Last evaluated: 2026-01-20. Review status: criteria provided, single submitter. Criteria: Invitae Variant Classification Sherloc (09022015). Collection method: clinical testing. Allele origin: germline.

Women's Health and Genetics/Laboratory Corporation of America, LabCorp
Classification: Likely benign. Last evaluated: 2025-03-17. Review status: criteria provided, single submitter. Criteria: LabCorp Variant Classification Summary - May 2015. Collection method: clinical testing. Allele origin: germline.

Blueprint Genetics
Classification: Likely benign. Last evaluated: 2024-11-18. Review status: criteria provided, single submitter. Criteria: ACMG Guidelines, 2015. Collection method: clinical testing. Allele origin: germline.

Athena Diagnostics
Classification: Benign. Last evaluated: 2024-06-25. Review status: criteria provided, single submitter. Criteria: Athena Diagnostics Criteria. Collection method: clinical testing. Allele origin: unknown.

ARUP Laboratories, Molecular Genetics and Genomics, ARUP Laboratories
Classification: Likely benign. Last evaluated: 2020-01-16. Review status: criteria provided, single submitter. Criteria: ARUP Molecular Germline Variant Investigation Process. Collection method: clinical testing. Allele origin: germline.

Center for Advanced Laboratory Medicine, UC San Diego Health, University of California San Diego
Classification: Likely benign for Heart failure. Last evaluated: 2018-07-03. Review status: criteria provided, single submitter. Criteria: ACMG Guidelines, 2015. Collection method: clinical testing. Allele origin: germline. Affected: yes. Observed: 1 variant allele.

Mayo Clinic Laboratories, Mayo Clinic
Classification: Benign. Last evaluated: 2018-05-09. Review status: criteria provided, single submitter. Criteria: ACMG Guidelines, 2015. Collection method: clinical testing. Allele origin: germline. Observed: 2 variant alleles.

GeneDx
Classification: Benign. Last evaluated: 2018-03-20. Review status: criteria provided, single submitter. Criteria: GeneDx Variant Classification Process June 2021. Collection method: clinical testing. Allele origin: germline. Affected: yes.
Comment: This variant is associated with the following publications: (PMID: 19240791)

Illumina Laboratory Services, Illumina
Classification: Likely benign for Myofibrillar myopathy 3. Last evaluated: 2018-01-13. Review status: criteria provided, single submitter. Criteria: ICSL Variant Classification Criteria 13 December 2019. Collection method: clinical testing. Allele origin: germline.
Comment: This variant was observed in the ICSL laboratory as part of a predisposition screen in an ostensibly healthy population. It had not been previously curated by ICSL or reported in the Human Gene Mutation Database (HGMD: prior to June 1st, 2018), and was therefore a candidate for classification through an automated scoring system. Utilizing variant allele frequency, disease prevalence and penetrance estimates, and inheritance mode, an automated score was calculated to assess if this variant is too frequent to cause the disease. Based on the score and internal cut-off values, a variant classified as likely benign is not then subjected to further curation. The score for this variant resulted in a classification of likely benign for this disease.

Eurofins Ntd Llc (ga)
Classification: Likely benign. Last evaluated: 2016-01-23. Review status: criteria provided, single submitter. Criteria: EGL Classification Definitions 2015. Collection method: clinical testing. Allele origin: germline. Observed: 13 variant alleles, 13 heterozygotes.

Breakthrough Genomics
Classification: Likely benign. Review status: criteria provided, single submitter. Criteria: ACMG Guidelines, 2015. Collection method: not provided. Allele origin: germline. Inheritance: Autosomal dominant inheritance. Affected: yes.

PreventionGenetics, part of Exact Sciences
Classification: Likely benign for MYOT-related condition. Last evaluated: 2019-06-21. Review status: no assertion criteria provided. Collection method: clinical testing. Allele origin: germline. Not counted in ClinVar's aggregate classification.
Comment: This variant is classified as likely benign based on ACMG/AMP sequence variant interpretation guidelines (Richards et al. 2015 PMID: 25741868, with internal and published modifications).

Literature cited by the submitters: PubMed 38534332 (cited by Athena Diagnostics); PubMed 26257771 (cited by Athena Diagnostics); PubMed 19240791 (cited by Athena Diagnostics); PubMed 31404076 (cited by Athena Diagnostics).

NM_006790.3(MYOT):c.445G>C (p.Glu149Gln)

Genes: MYOT (myotilin; plus strand), PKD2L2-DT (PKD2L2 divergent transcript; minus strand). Cytogenetic location: 5q31.2.
Variant type: single nucleotide variant.
Coding change: c.445G>C on transcript NM_006790.3 (MANE Select); coding-DNA position 445, G replaced by C.
Protein change: p.Glu149Gln; replaces glutamic acid 149 with glutamine.
Molecular consequence: missense variant. On other transcripts: 5 prime UTR variant (1).
Genome position (GRCh38, 1-based): chr5:137,875,917, G>C. VCF-style: chr5-137875917-G-C. GRCh37 (hg19) VCF-style: chr5-137211606-G-C.
Other names: c.-108G>C (NM_001135940.2); c.100G>C, p.Glu34Gln (NM_001300911.2); short protein forms E34Q.
Identifiers: ClinVar variation 95440 (VCV000095440.57), dbSNP rs71578935, ClinGen allele CA222978.
Genomic context (GRCh38, chr5:137,875,917, plus strand): 5'-ATAAATGCAAAGCCATCCCAAACTGCAAATGCTAAGCCCATACCAAGAACTCCTGATCAT[G>C]AAATACAAGGATCAAAAGAAGCTTTGATTCAAGATTTGGAAAGAAAGCTGAAATGCAAGG-3'
Protein context (NP_006781.1, residues 139-159): AKPIPRTPDH[Glu149Gln]IQGSKEALIQ